The following is an entry in ClinVar:

ClinVar aggregate classification (germline): Uncertain significance. Review status: criteria provided, multiple submitters, no conflicts (2 of 4 stars). 2 submissions from 2 submitters: Uncertain significance (2). Last evaluated 2026-01-26.

Conditions:
Inborn genetic diseases. Identifiers: MedGen C0950123, MeSH D030342.

Allele frequency attached by ClinVar (database versions not stated): ExAC 0.00002; gnomAD exomes 0.00003; gnomAD 0.00006; ESP Exome Variant Server 0.00008; TOPMed 0.00008; 1000 Genomes Project 0.00020; 1000 Genomes Project 30x 0.00031.
gnomAD v4.1: 50 of 1,614,052 alleles (0.0031%); highest among the groups gnomAD compares: African/African-American, 0.024%; no homozygotes.

Submissions (2):

Labcorp Genetics (formerly Invitae), Labcorp
Classification: Uncertain significance. Last evaluated: 2026-01-26. Review status: criteria provided, single submitter. Criteria: Invitae Variant Classification Sherloc (09022015). Collection method: clinical testing. Allele origin: germline.
Comment: This sequence change replaces histidine, which is basic and polar, with asparagine, which is neutral and polar, at codon 96 of the LYZ protein (p.His96Asn). This variant is present in population databases (rs150655870, gnomAD 0.02%). This variant has not been reported in the literature in individuals affected with LYZ-related conditions. ClinVar contains an entry for this variant (Variation ID: 2076769). An algorithm developed to predict the effect of missense changes on protein structure and function (PolyPhen-2) suggests that this variant is likely to be tolerated. In summary, the available evidence is currently insufficient to determine the role of this variant in disease. Therefore, it has been classified as a Variant of Uncertain Significance.

Ambry Genetics
Classification: Uncertain significance for Inborn genetic diseases. Last evaluated: 2023-10-20. Review status: criteria provided, single submitter. Criteria: Ambry Variant Classification Scheme 2023. Collection method: clinical testing. Allele origin: germline.

NM_000239.3(LYZ):c.286C>A (p.His96Asn)

Gene: LYZ (lysozyme; plus strand). Cytogenetic location: 12q15.
Variant type: single nucleotide variant.
Coding change: c.286C>A on transcript NM_000239.3 (MANE Select); coding-DNA position 286, C replaced by A.
Protein change: p.His96Asn; replaces histidine 96 with asparagine.
Molecular consequence: missense variant.
Genome position (GRCh38, 1-based): chr12:69,350,257, C>A. VCF-style: chr12-69350257-C-A. GRCh37 (hg19) VCF-style: chr12-69744037-C-A.
Other names: short protein forms H96N.
Identifiers: ClinVar variation 2076769 (VCV002076769.5), dbSNP rs150655870, ClinGen allele CA6679751.